The following is an entry in ClinVar:

ClinVar aggregate classification (germline): Uncertain significance (1 of 4 stars; one submission).

Submission:

GeneDx
Classification: Uncertain significance. Last evaluated: 2019-10-08. Review status: criteria provided, single submitter. Criteria: GeneDx Variant Classification Process June 2021. Collection method: clinical testing. Allele origin: germline. Affected: yes.
Comment: Not observed in large population cohorts (Lek 2016); In silico analysis, which includes protein predictors and evolutionary conservation, supports that this variant does not alter protein structure/function; Has not been previously published as pathogenic or benign to our knowledge

NM_001113378.2(FANCI):c.3526C>G (p.Leu1176Val)

Gene: FANCI (FA complementation group I; plus strand). Cytogenetic location: 15q26.1.
Variant type: single nucleotide variant.
Coding change: c.3526C>G on transcript NM_001113378.2 (MANE Select); coding-DNA position 3526, C replaced by G.
Protein change: p.Leu1176Val; replaces leucine 1176 with valine.
Molecular consequence: missense variant.
Genome position (GRCh38, 1-based): chr15:89,306,183, C>G. VCF-style: chr15-89306183-C-G. GRCh37 (hg19) VCF-style: chr15-89849414-C-G.
Other names: c.3247C>G, p.Leu1083Val (NM_001376910.1); c.3526C>G, p.Leu1176Val (NM_001376911.1); c.3346C>G, p.Leu1116Val (NM_018193.3); short protein forms L1083V, L1116V, L1176V.
Identifiers: ClinVar variation 1320864 (VCV001320864.2), dbSNP rs2054710106, ClinGen allele CA393740709.